The following is an entry in ClinVar:

NM_005450.6(NOG):c.142G>C (p.Glu48Gln)

Gene: NOG (noggin; plus strand). Cytogenetic location: 17q22.
Variant type: single nucleotide variant.
Coding change: c.142G>C on transcript NM_005450.6 (MANE Select); coding-DNA position 142, G replaced by C.
Protein change: p.Glu48Gln; replaces glutamic acid 48 with glutamine.
Molecular consequence: missense variant.
Genome position (GRCh38, 1-based): chr17:56,594,365, G>C. VCF-style: chr17-56594365-G-C. GRCh37 (hg19) VCF-style: chr17-54671726-G-C.
Other names: short protein forms E48Q.
Identifiers: ClinVar variation 3777280 (VCV003777280.1).
Genomic context (GRCh38, chr17:56,594,365, plus strand): 5'-CAGCACTATCTCCACATCCGCCCGGCACCCAGCGACAACCTGCCCCTGGTGGACCTCATC[G>C]AACACCCAGACCCTATCTTTGACCCCAAGGAAAAGGATCTGAACGAGACGCTGCTGCGCT-3'
Protein context (NP_005441.1, residues 38-58): SDNLPLVDLI[Glu48Gln]HPDPIFDPKE

ClinVar aggregate classification (germline): Uncertain significance (1 of 4 stars; one submission).

Submission:

GeneDx
Classification: Uncertain significance. Last evaluated: 2024-10-13. Review status: criteria provided, single submitter. Criteria: GeneDx Variant Classification Process June 2021. Collection method: clinical testing. Allele origin: germline. Affected: yes.
Comment: Not observed at significant frequency in large population cohorts (gnomAD); In silico analysis indicates that this missense variant does not alter protein structure/function; Has not been previously published as pathogenic or benign to our knowledge